The following is an entry in ClinVar:

ClinVar aggregate classification (germline): Uncertain significance. Review status: criteria provided, multiple submitters, no conflicts (2 of 4 stars). 3 submissions from 3 submitters: Uncertain significance (3). Last evaluated 2024-11-16.

Conditions:
Mitochondrial short-chain Enoyl-Coa hydratase 1 deficiency. Also called: PxMD-ECHS1; Mitochondrial Short-Chain Enoyl-CoA Hydratase Deficiency; ECHS1 deficiency. Identifiers: Orphanet 255241, Orphanet 653880, MedGen C4225391, MONDO:0014563, OMIM 616277.
Inborn genetic diseases. Identifiers: MedGen C0950123, MeSH D030342.

Allele frequency attached by ClinVar (database versions not stated): ExAC 0.00003; ESP Exome Variant Server 0.00008; TOPMed 0.00018; gnomAD 0.00022; gnomAD exomes 0.00004.
gnomAD v4.1: 98 of 1,613,658 alleles (0.0061%); highest among the groups gnomAD compares: Admixed American, 0.072%; no homozygotes.

Submissions (3):

Dasa
Classification: Uncertain significance for Mitochondrial short-chain Enoyl-Coa hydratase 1 deficiency. Last evaluated: 2024-11-16. Review status: criteria provided, single submitter. Criteria: DASA Assertion Criteria. Collection method: clinical testing. Allele origin: germline.
Comment: NM_004092.4(ECHS1):c.643G>A (p.Val215Ile) is a missense variant that results in the substitution of valine with isoleucine. This variant has been observed in affected individuals with ECHS1-related disorders. Also, this variant is rare in population databases. Computational prediction algorithms are consistent with a benign effect. The currently available literature and clinical evidence are not sufficient to establish a definitive association between this variant and the reported condition. Therefore, this variant is classified as a variant of uncertain significance.

Ambry Genetics
Classification: Uncertain significance for Inborn genetic diseases. Last evaluated: 2022-09-17. Review status: criteria provided, single submitter. Criteria: Ambry Variant Classification Scheme 2023. Collection method: clinical testing. Allele origin: germline.

Labcorp Genetics (formerly Invitae), Labcorp
Classification: Uncertain significance. Last evaluated: 2022-05-21. Review status: criteria provided, single submitter. Criteria: Invitae Variant Classification Sherloc (09022015). Collection method: clinical testing. Allele origin: germline.
Comment: This sequence change replaces valine, which is neutral and non-polar, with isoleucine, which is neutral and non-polar, at codon 215 of the ECHS1 protein (p.Val215Ile). This variant is present in population databases (rs141145016, gnomAD 0.03%). This variant has not been reported in the literature in individuals affected with ECHS1-related conditions. Advanced modeling of protein sequence and biophysical properties (such as structural, functional, and spatial information, amino acid conservation, physicochemical variation, residue mobility, and thermodynamic stability) performed at Invitae indicates that this missense variant is expected to disrupt ECHS1 protein function. In summary, the available evidence is currently insufficient to determine the role of this variant in disease. Therefore, it has been classified as a Variant of Uncertain Significance.

NM_004092.4(ECHS1):c.643G>A (p.Val215Ile)

Gene: ECHS1 (enoyl-CoA hydratase, short chain 1; minus strand). Cytogenetic location: 10q26.3.
Variant type: single nucleotide variant.
Coding change: c.643G>A on transcript NM_004092.4 (MANE Select); coding-DNA position 643, G replaced by A.
Protein change: p.Val215Ile; replaces valine 215 with isoleucine.
Molecular consequence: missense variant.
Genome position (GRCh38, 1-based): chr10:133,366,072, C>T on the plus strand (G>A on the coding strand, the complement: ECHS1 is on the minus strand). VCF-style: chr10-133366072-C-T. GRCh37 (hg19) VCF-style: chr10-135179576-C-T.
Other names: c.643G>A (NM_004092.3); short protein forms V215I.
Identifiers: ClinVar variation 2164096 (VCV002164096.4), dbSNP rs141145016, ClinGen allele CA5765689.
Genomic context (GRCh38, chr10:133,366,072, plus strand): 5'-TTTTAGAATTGCTGGCAATTTTTTCTGCACACTGGATGGCTTCTTCCACCAGTGTCTCAA[C>T]AGGACAAATCTTGCTGACAAGACCTGAAACACAAGAAAGTCAGTGAGTGATGTGCAGAAA-3'
Protein context (NP_004083.3, residues 205-225): QAGLVSKICP[Val215Ile]ETLVEEAIQC